The following is an entry in ClinVar:

NM_007294.4(BRCA1):c.4616T>C (p.Leu1539Pro)

Gene: BRCA1 (BRCA1 DNA repair associated; minus strand). Cytogenetic location: 17q21.31.
Variant type: single nucleotide variant.
Coding change: c.4616T>C on transcript NM_007294.4 (MANE Select); coding-DNA position 4616, T replaced by C.
Protein change: p.Leu1539Pro; replaces leucine 1539 with proline.
Molecular consequence: missense variant. On other transcripts: non-coding transcript variant (1).
Genome position (GRCh38, 1-based): chr17:43,074,390, A>G on the plus strand (T>C on the coding strand, the complement: BRCA1 is on the minus strand). VCF-style: chr17-43074390-A-G. GRCh37 (hg19) VCF-style: chr17-41226407-A-G.
Other names: c.4535T>C, p.Leu1512Pro (NM_001407657.1, NM_001407658.1, NM_001407656.1); c.1187T>C, p.Leu396Pro (NM_001408423.1, NM_001408421.1, NM_001408422.1 and 1 more transcripts); c.1190T>C, p.Leu397Pro (NM_001408420.1, NM_001408419.1, NM_001408418.1); c.4532T>C, p.Leu1511Pro (NM_001407661.1, NM_001407662.1, NM_001407660.1 and 2 more transcripts); c.4493T>C, p.Leu1498Pro (NM_001407666.1, NM_001407667.1, NM_001407664.1 and 6 more transcripts); c.4490T>C, p.Leu1497Pro (NM_001407670.1, NM_001407671.1, NM_001407672.1 and 11 more transcripts); c.1184T>C, p.Leu395Pro (NM_001408430.1, NM_001408431.1, NM_001408425.1 and 4 more transcripts); c.1181T>C, p.Leu394Pro (NM_001408432.1, NM_001408433.1, NM_001408434.1 and 10 more transcripts); and 68 more; short protein forms L1539P, L435P, L1560P, L1492P, L1410P, L1412P, L1469P, L1496P.
Identifiers: ClinVar variation 409342 (VCV000409342.19), dbSNP rs377629427, ClinGen allele CA10592278.
Genomic context (GRCh38, chr17:43,074,390, plus strand): 5'-CCTAGATCTTGCCTTGGCAAGTAAGATGTTTCCGTCAAATCGTGTGGCCCAGACTCTTCC[A>G]GCTGTTGCTCCTCCACATCAACAACCTTAATGAGCTCCTCTTGAGATGGGTAGTTTCTAT-3'
Protein context (NP_009225.1, residues 1529-1549): IKVVDVEEQQ[Leu1539Pro]EESGPHDLTE

ClinVar aggregate classification (germline): Uncertain significance. Review status: criteria provided, multiple submitters, no conflicts (2 of 4 stars). 4 submissions from 4 submitters: Uncertain significance (4). Last evaluated 2026-01-11.

Conditions:
Hereditary breast ovarian cancer syndrome. Also called: Hereditary breast and ovarian cancer; Hereditary breast and/or ovarian cancer syndrome; BRCA1- and BRCA2-Associated Hereditary Breast and Ovarian Cancer; Hereditary breast and ovarian cancer syndrome; Hereditary breast and ovarian cancer syndrome (HBOC); Breast and ovarian cancer. Identifiers: Orphanet 145, MedGen C0677776, MeSH D061325, MONDO:0003582. Disease mechanism: loss of function.
Hereditary cancer-predisposing syndrome. Also called: Tumor predisposition; Hereditary Cancer Syndrome; Hereditary neoplastic syndrome; Neoplastic Syndromes, Hereditary. Identifiers: Orphanet 140162, MedGen C0027672, MeSH D009386, MONDO:0015356.

Allele frequency attached by ClinVar (database versions not stated): gnomAD exomes 0.00001; ESP Exome Variant Server 0.00008.
gnomAD v4.1: 8 of 1,614,144 alleles (0.0005%); highest among the groups gnomAD compares: Non-Finnish European, 0.00068%; no homozygotes.

Submissions (4):

Labcorp Genetics (formerly Invitae), Labcorp
Classification: Uncertain significance for Hereditary breast ovarian cancer syndrome. Last evaluated: 2026-01-11. Review status: criteria provided, single submitter. Criteria: Invitae Variant Classification Sherloc (09022015). Collection method: clinical testing. Allele origin: germline.
Comment: This sequence change replaces leucine, which is neutral and non-polar, with proline, which is neutral and non-polar, at codon 1539 of the BRCA1 protein (p.Leu1539Pro). This variant is not present in population databases (gnomAD no frequency). This variant has not been reported in the literature in individuals affected with BRCA1-related conditions. ClinVar contains an entry for this variant (Variation ID: 409342). Invitae Evidence Modeling of protein sequence and biophysical properties (such as structural, functional, and spatial information, amino acid conservation, physicochemical variation, residue mobility, and thermodynamic stability) indicates that this missense variant is not expected to disrupt BRCA1 protein function with a negative predictive value of 95%. In summary, the available evidence is currently insufficient to determine the role of this variant in disease. Therefore, it has been classified as a Variant of Uncertain Significance.

Color Diagnostics, LLC DBA Color Health
Classification: Uncertain significance for Hereditary cancer-predisposing syndrome. Last evaluated: 2025-04-14. Review status: criteria provided, single submitter. Criteria: ACMG Guidelines, 2015. Collection method: clinical testing. Allele origin: germline.
Comment: This missense variant replaces leucine with proline at codon 1539 of the BRCA1 protein. Computational prediction is inconclusive regarding the impact of this variant on protein structure and function. Experimental studies of BRCA1 transcriptional activiation have reported this variant to be as functional as wild-type (PMID: 28781887, 38709234). This variant has not been reported in individuals affected with BRCA1-related disorders in the literature. This variant has not been identified in the general population by the Genome Aggregation Database (gnomAD). The available evidence is insufficient to determine the role of this variant in disease conclusively. Therefore, this variant is classified as a Variant of Uncertain Significance.

Ambry Genetics
Classification: Uncertain significance for Hereditary cancer-predisposing syndrome. Last evaluated: 2024-10-11. Review status: criteria provided, single submitter. Criteria: Ambry Variant Classification Scheme 2023. Collection method: clinical testing. Allele origin: germline.
Comment: The p.L1539P variant (also known as c.4616T>C), located in coding exon 13 of the BRCA1 gene, results from a T to C substitution at nucleotide position 4616. The leucine at codon 1539 is replaced by proline, an amino acid with similar properties. This variant had 87.8% of wildtype activity in a transcription activation assay (Woods NT et al. NPJ Genom Med, 2016 Mar;1:). This amino acid position is well conserved in available vertebrate species. In addition, the in silico prediction for this alteration is inconclusive. Based on the available evidence, the clinical significance of this variant remains unclear.

GeneDx
Classification: Uncertain significance. Last evaluated: 2016-05-19. Review status: criteria provided, single submitter. Criteria: GeneDx Variant Classification (06012015). Collection method: clinical testing. Allele origin: germline. Affected: yes.
Comment: This variant is denoted BRCA1 c.4616T>C at the cDNA level, p.Leu1539Pro (L1539P) at the protein level, and results in the change of a Leucine to a Proline (CTG>CCG). Using alternate nomenclature, this variant would be defined as BRCA1 4735T>C. Functional analysis using transcriptional assays demonstrated no significant difference between BRCA1 Leu1539Pro and wild-type BRCA1 (Woods 2016). BRCA1 Leu1539Pro was not observed at a significant allele frequency in the NHLBI Exome Sequencing Project. Since Leucine and Proline differ in some properties, this is considered a semi-conservative amino acid substitution. BRCA1 Leu1539Pro occurs at a position that is not conserved and is located in within a region known to interact with multiple other proteins (Paul 2014). In silico analyses predict that this variant is unlikely to alter protein structure or function. Based on currently available evidence, it is unclear whether BRCA1 Leu1539Pro is a pathogenic or benign variant. We consider it to be a variant of uncertain significance.

Literature cited by the submitters: PubMed 28781887 (cited by Color Diagnostics, LLC DBA Color Health and Ambry Genetics); PubMed 38709234 (cited by Color Diagnostics, LLC DBA Color Health).